The following is an entry in ClinVar:

NM_005045.4(RELN):c.2557G>A (p.Val853Ile)

Gene: RELN (reelin; minus strand). Cytogenetic location: 7q22.1.
Variant type: single nucleotide variant.
Coding change: c.2557G>A on transcript NM_005045.4 (MANE Select); coding-DNA position 2557, G replaced by A.
Protein change: p.Val853Ile; replaces valine 853 with isoleucine.
Molecular consequence: missense variant.
Genome position (GRCh38, 1-based): chr7:103,630,085, C>T on the plus strand (G>A on the coding strand, the complement: RELN is on the minus strand). VCF-style: chr7-103630085-C-T. GRCh37 (hg19) VCF-style: chr7-103270532-C-T.
Other names: c.2557G>A, p.Val853Ile (NM_173054.3); short protein forms V853I.
Identifiers: ClinVar variation 960144 (VCV000960144.10), dbSNP rs1832418242, ClinGen allele CA368758617.

ClinVar aggregate classification (germline): Uncertain significance. Review status: criteria provided, multiple submitters, no conflicts (2 of 4 stars). 2 submissions from 2 submitters: Uncertain significance (2). Last evaluated 2022-05-12.

Conditions:
Familial temporal lobe epilepsy 7. Identifiers: Orphanet 101046, MedGen C4225327, MONDO:0014639, OMIM 616436.
Norman-Roberts syndrome (LIS2). Also called: Lissencephaly 2 (Norman-Roberts type). Identifiers: Orphanet 89844, MedGen C0796089, MONDO:0009760, OMIM 257320.
Inborn genetic diseases. Identifiers: MedGen C0950123, MeSH D030342.

Allele frequency attached by ClinVar (database versions not stated): gnomAD exomes below 0.00001.
gnomAD v4.1: 3 of 1,613,448 alleles (0.00019%); highest among the groups gnomAD compares: Middle Eastern, 0.016%; no homozygotes.

Submissions (2):

Labcorp Genetics (formerly Invitae), Labcorp
Classification: Uncertain significance for Familial temporal lobe epilepsy 7; Norman-Roberts syndrome. Last evaluated: 2022-05-12. Review status: criteria provided, single submitter. Criteria: Invitae Variant Classification Sherloc (09022015). Collection method: clinical testing. Allele origin: germline.
Comment: Algorithms developed to predict the effect of missense changes on protein structure and function are either unavailable or do not agree on the potential impact of this missense change (SIFT: "Deleterious"; PolyPhen-2: "Benign"; Align-GVGD: "Class C0"). This variant has not been reported in the literature in individuals affected with RELN-related conditions. ClinVar contains an entry for this variant (Variation ID: 960144). This variant is not present in population databases (gnomAD no frequency). In summary, the available evidence is currently insufficient to determine the role of this variant in disease. Therefore, it has been classified as a Variant of Uncertain Significance. This sequence change replaces valine, which is neutral and non-polar, with isoleucine, which is neutral and non-polar, at codon 853 of the RELN protein (p.Val853Ile).

Ambry Genetics
Classification: Uncertain significance for Inborn genetic diseases. Last evaluated: 2020-11-20. Review status: criteria provided, single submitter. Criteria: Ambry Variant Classification Scheme 2023. Collection method: clinical testing. Allele origin: germline.